The following is an entry in ClinVar:

ClinVar aggregate classification (germline): Conflicting classifications of pathogenicity. Review status: criteria provided, conflicting classifications (1 of 4 stars). 2 submissions from 2 submitters: Likely pathogenic (1); Uncertain significance (1). Last evaluated 2024-08-26.

Conditions:
Neurofibromatosis, type 1 (NF1). Also called: NEUROFIBROMATOSIS, TYPE I, SOMATIC; VON RECKLINGHAUSEN DISEASE; Peripheral type neurofibromatosis; Neurofibromatosis, type I. Identifiers: Orphanet 636, MedGen C0027831, MONDO:0018975, OMIM 162200. Disease mechanism: loss of function.

Submissions (2):

GeneDx
Classification: Likely pathogenic. Last evaluated: 2024-08-26. Review status: criteria provided, single submitter. Criteria: GeneDx Variant Classification Process June 2021. Collection method: clinical testing. Allele origin: germline. Affected: yes.
Comment: Not observed at significant frequency in large population cohorts (gnomAD); In silico analysis supports that this missense variant has a deleterious effect on protein structure/function; This variant is associated with the following publications: (PMID: 25486365, 22807134, 23913538, 31776437)

Center for Human Genetics, Inc
Classification: Uncertain significance for Neurofibromatosis, type 1. Last evaluated: 2016-11-01. Review status: criteria provided, single submitter. Criteria: ACMG Guidelines, 2015. Collection method: clinical testing. Allele origin: germline. Affected: yes.

NM_001042492.3(NF1):c.3767T>G (p.Leu1256Arg)

Gene: NF1 (neurofibromin 1; plus strand). Cytogenetic location: 17q11.2.
Variant type: single nucleotide variant.
Coding change: c.3767T>G on transcript NM_001042492.3 (MANE Select); coding-DNA position 3767, T replaced by G.
Protein change: p.Leu1256Arg; replaces leucine 1256 with arginine.
Molecular consequence: missense variant.
Genome position (GRCh38, 1-based): chr17:31,235,669, T>G. VCF-style: chr17-31235669-T-G. GRCh37 (hg19) VCF-style: chr17-29562687-T-G.
Other names: c.3767T>G, p.Leu1256Arg (NM_000267.4); short protein forms L1256R.
Identifiers: ClinVar variation 547635 (VCV000547635.2), dbSNP rs1555615457, ClinGen allele CA398992528.